The following is an entry in ClinVar:

NM_177924.5(ASAH1):c.1016T>A (p.Met339Lys)

Gene: ASAH1 (N-acylsphingosine amidohydrolase 1; minus strand). Cytogenetic location: 8p22.
Variant type: single nucleotide variant.
Coding change: c.1016T>A on transcript NM_177924.5 (MANE Select); coding-DNA position 1016, T replaced by A.
Protein change: p.Met339Lys; replaces methionine 339 with lysine.
Molecular consequence: missense variant.
Genome position (GRCh38, 1-based): chr8:18,059,366, A>T on the plus strand (T>A on the coding strand, the complement: ASAH1 is on the minus strand). VCF-style: chr8-18059366-A-T. GRCh37 (hg19) VCF-style: chr8-17916875-A-T.
Other names: c.998T>A, p.Met333Lys (NM_001127505.3); c.821T>A, p.Met274Lys (NM_001363743.2); c.1064T>A, p.Met355Lys (NM_004315.6); c.1016T>A (NM_177924.4); short protein forms M274K, M333K, M339K, M355K.
Identifiers: ClinVar variation 2445685 (VCV002445685.1), dbSNP rs2537915664, ClinGen allele CA370427314.

ClinVar aggregate classification (germline): Uncertain significance (1 of 4 stars; one submission).

Submission:

Women's Health and Genetics/Laboratory Corporation of America, LabCorp
Classification: Uncertain significance. Last evaluated: 2023-02-03. Review status: criteria provided, single submitter. Criteria: LabCorp Variant Classification Summary - May 2015. Collection method: clinical testing. Allele origin: germline.
Comment: Variant summary: ASAH1 c.1016T>A (p.Met339Lys) results in a non-conservative amino acid change located in the Choloylglycine hydrolase/NAAA C-terminal domain (IPR029132) of the encoded protein sequence. Three of five in-silico tools predict a damaging effect of the variant on protein function. The variant was absent in 251458 control chromosomes (gnomAD). The available data on variant occurrences in the general population are insufficient to allow any conclusion about variant significance. To our knowledge, no occurrence of c.1016T>A in individuals affected with Spinal Muscular Atrophy With Progressive Myoclonic Epilepsy and no experimental evidence demonstrating its impact on protein function have been reported. No clinical diagnostic laboratories have submitted clinical-significance assessments for this variant to ClinVar after 2014. Based on the evidence outlined above, the variant was classified as uncertain significance.